The following is an entry in ClinVar:

NM_001244008.2(KIF1A):c.4634C>G (p.Pro1545Arg)

Gene: KIF1A (kinesin family member 1A; minus strand). Cytogenetic location: 2q37.3.
Variant type: single nucleotide variant.
Coding change: c.4634C>G on transcript NM_001244008.2 (MANE Select); coding-DNA position 4634, C replaced by G.
Protein change: p.Pro1545Arg; replaces proline 1545 with arginine.
Molecular consequence: missense variant.
Genome position (GRCh38, 1-based): chr2:240,722,487, G>C on the plus strand (C>G on the coding strand, the complement: KIF1A is on the minus strand). VCF-style: chr2-240722487-G-C. GRCh37 (hg19) VCF-style: chr2-241661904-G-C.
Other names: c.4358C>G, p.Pro1453Arg (NM_001320705.2, NM_001379649.1); c.4385C>G, p.Pro1462Arg (NM_001330289.2); c.4433C>G, p.Pro1478Arg (NM_001330290.2, NM_001379648.1); c.4709C>G, p.Pro1570Arg (NM_001379631.1); c.4610C>G, p.Pro1537Arg (NM_001379632.1); c.4607C>G, p.Pro1536Arg (NM_001379633.1, NM_001379645.1); c.4460C>G, p.Pro1487Arg (NM_001379634.1); c.4457C>G, p.Pro1486Arg (NM_001379635.1, NM_001379646.1); and 7 more; short protein forms P1444R, P1461R, P1469R, P1570R, P1452R, P1462R, P1478R, P1537R.
Identifiers: ClinVar variation 2928717 (VCV002928717.4), dbSNP rs2045525400, ClinGen allele CA351303668.

ClinVar aggregate classification (germline): Uncertain significance. Review status: criteria provided, multiple submitters, no conflicts (2 of 4 stars). 2 submissions from 2 submitters: Uncertain significance (2). Last evaluated 2024-12-03.

Conditions:
Neuropathy, hereditary sensory, type 2C. Also called: Hereditary sensory and autonomic neuropathy type IIC; KIF1A-Related HSAN2 (HSAN2C). Identifiers: Orphanet 970, MedGen C3280168, MONDO:0013634, OMIM 614213.
Hereditary spastic paraplegia 30. Identifiers: Orphanet 101010, MedGen C5235139, MONDO:0012476.
Intellectual disability, autosomal dominant 9 (NESCAVS). Also called: NESCAV SYNDROME; KIF1A-Related Neurodevelopmental Disorder. Identifiers: Orphanet 662367, MedGen C5393830, MONDO:0013656, OMIM 614255.

Allele frequency attached by ClinVar (database versions not stated): TOPMed 0.00001.

Submissions (2):

Labcorp Genetics (formerly Invitae), Labcorp
Classification: Uncertain significance for Hereditary spastic paraplegia 30; Neuropathy, hereditary sensory, type 2C; Intellectual disability, autosomal dominant 9. Last evaluated: 2024-12-03. Review status: criteria provided, single submitter. Criteria: Invitae Variant Classification Sherloc (09022015). Collection method: clinical testing. Allele origin: germline.
Comment: This sequence change replaces proline, which is neutral and non-polar, with arginine, which is basic and polar, at codon 1444 of the KIF1A protein (p.Pro1444Arg). This variant is not present in population databases (gnomAD no frequency). This variant has not been reported in the literature in individuals affected with KIF1A-related conditions. ClinVar contains an entry for this variant (Variation ID: 2928717). Invitae Evidence Modeling of protein sequence and biophysical properties (such as structural, functional, and spatial information, amino acid conservation, physicochemical variation, residue mobility, and thermodynamic stability) indicates that this missense variant is not expected to disrupt KIF1A protein function with a negative predictive value of 95%. In summary, the available evidence is currently insufficient to determine the role of this variant in disease. Therefore, it has been classified as a Variant of Uncertain Significance.

Women's Health and Genetics/Laboratory Corporation of America, LabCorp
Classification: Uncertain significance. Last evaluated: 2024-08-27. Review status: criteria provided, single submitter. Criteria: LabCorp Variant Classification Summary - May 2015. Collection method: clinical testing. Allele origin: germline.
Comment: Variant summary: KIF1A c.4331C>G (p.Pro1444Arg) results in a non-conservative amino acid change in the encoded protein sequence. Three of five in-silico tools predict a damaging effect of the variant on protein function. The variant was absent in 180306 control chromosomes. The available data on variant occurrences in the general population are insufficient to allow any conclusion about variant significance. To our knowledge, no occurrence of c.4331C>G in individuals affected with NESCAV Syndrome and no experimental evidence demonstrating its impact on protein function have been reported. No submitters have cited clinical-significance assessments for this variant to ClinVar. Based on the evidence outlined above, the variant was classified as uncertain significance.